The following is an entry in ClinVar:

ClinVar aggregate classification (germline): Uncertain significance (1 of 4 stars; one submission).

Conditions:
Epilepsy, progressive myoclonic, 1B. Also called: PME. Identifiers: Orphanet 308, MedGen C2676254, MONDO:0012904, OMIM 612437.

Allele frequency attached by ClinVar (database versions not stated): ExAC 0.00002; TOPMed below 0.00001; gnomAD exomes 0.00001.
gnomAD v4.1: 4 of 1,614,152 alleles (0.00025%); highest among the groups gnomAD compares: Admixed American, 0.0067%; no homozygotes.

Submission:

Labcorp Genetics (formerly Invitae), Labcorp
Classification: Uncertain significance for Epilepsy, progressive myoclonic, 1B. Last evaluated: 2022-07-05. Review status: criteria provided, single submitter. Criteria: Invitae Variant Classification Sherloc (09022015). Collection method: clinical testing. Allele origin: germline.
Comment: In summary, the available evidence is currently insufficient to determine the role of this variant in disease. Therefore, it has been classified as a Variant of Uncertain Significance. Variants that disrupt the consensus splice site are a relatively common cause of aberrant splicing (PMID: 17576681, 9536098). Algorithms developed to predict the effect of sequence changes on RNA splicing suggest that this variant is not likely to affect RNA splicing. This variant has not been reported in the literature in individuals affected with PRICKLE1-related conditions. This variant is present in population databases (rs754091672, gnomAD 0.01%). This sequence change falls in intron 6 of the PRICKLE1 gene. It does not directly change the encoded amino acid sequence of the PRICKLE1 protein. It affects a nucleotide within the consensus splice site.

Literature cited by the submitters: PubMed 17576681; PubMed 9536098.

NM_153026.3(PRICKLE1):c.775+3A>G

Gene: PRICKLE1 (prickle planar cell polarity protein 1; minus strand). Cytogenetic location: 12q12.
Variant type: single nucleotide variant.
Coding change: c.775+3A>G on transcript NM_153026.3 (MANE Select); 3 bases into the intron after coding-DNA position 775, A replaced by G.
Molecular consequence: intron variant.
Genome position (GRCh38, 1-based): chr12:42,466,191, T>C on the plus strand (A>G on the coding strand, the complement: PRICKLE1 is on the minus strand). VCF-style: chr12-42466191-T-C. GRCh37 (hg19) VCF-style: chr12-42859993-T-C.
Other names: c.775+3A>G (NM_001144883.2, NM_001144882.2, NM_001144881.2).
Identifiers: ClinVar variation 1998269 (VCV001998269.4), dbSNP rs754091672, ClinGen allele CA6519849.
Genomic context (GRCh38, chr12:42,466,191, plus strand): 5'-CTGGATAATCCAAGACAGACTAATGGCTAGGTGACAGGGCAGACGGGCTGGCTGTGGACT[T>C]ACCAATATGTTCCCCACAGGTTTCACAGTACTCCGCATAGAGAGACTCAAAACAGCCACA-3'